The following is an entry in ClinVar:

NM_000815.5(GABRD):c.1006G>A (p.Asp336Asn)

Gene: GABRD (gamma-aminobutyric acid type A receptor subunit delta; plus strand). Cytogenetic location: 1p36.33.
Variant type: single nucleotide variant.
Coding change: c.1006G>A on transcript NM_000815.5 (MANE Select); coding-DNA position 1006, G replaced by A.
Protein change: p.Asp336Asn; replaces aspartic acid 336 with asparagine.
Molecular consequence: missense variant.
Genome position (GRCh38, 1-based): chr1:2,029,709, G>A. VCF-style: chr1-2029709-G-A. GRCh37 (hg19) VCF-style: chr1-1961148-G-A.
Other names: short protein forms D336N.
Identifiers: ClinVar variation 570423 (VCV000570423.7), dbSNP rs1200416339, ClinGen allele CA337960236.

ClinVar aggregate classification (germline): Uncertain significance (1 of 4 stars; one submission).

Conditions:
Idiopathic generalized epilepsy. Also called: Generalised epilepsy; EIG. Identifiers: MedGen C0270850, MONDO:0005579, OMIM 600669.

Allele frequency attached by ClinVar (database versions not stated): gnomAD exomes below 0.00001; TOPMed 0.00001.
gnomAD v4.1: 2 of 1,613,456 alleles (0.00012%); highest among the groups gnomAD compares: Admixed American, 0.0017%; no homozygotes.

Submission:

Labcorp Genetics (formerly Invitae), Labcorp
Classification: Uncertain significance for Idiopathic generalized epilepsy. Last evaluated: 2025-03-10. Review status: criteria provided, single submitter. Criteria: Invitae Variant Classification Sherloc (09022015). Collection method: clinical testing. Allele origin: germline.
Comment: This sequence change replaces aspartic acid, which is acidic and polar, with asparagine, which is neutral and polar, at codon 336 of the GABRD protein (p.Asp336Asn). This variant is present in population databases (no rsID available, gnomAD 0.003%). This variant has not been reported in the literature in individuals affected with GABRD-related conditions. ClinVar contains an entry for this variant (Variation ID: 570423). An algorithm developed to predict the effect of missense changes on protein structure and function (PolyPhen-2) suggests that this variant is likely to be disruptive. In summary, the available evidence is currently insufficient to determine the role of this variant in disease. Therefore, it has been classified as a Variant of Uncertain Significance.